The following is an entry in ClinVar:

NM_019892.6(INPP5E):c.422C>A (p.Pro141His)

Gene: INPP5E (inositol polyphosphate-5-phosphatase E; minus strand). Cytogenetic location: 9q34.3.
Variant type: single nucleotide variant.
Coding change: c.422C>A on transcript NM_019892.6 (MANE Select); coding-DNA position 422, C replaced by A.
Protein change: p.Pro141His; replaces proline 141 with histidine.
Molecular consequence: missense variant.
Genome position (GRCh38, 1-based): chr9:136,438,998, G>T on the plus strand (C>A on the coding strand, the complement: INPP5E is on the minus strand). VCF-style: chr9-136438998-G-T. GRCh37 (hg19) VCF-style: chr9-139333450-G-T.
Other names: c.422C>A, p.Pro141His (NM_001318502.2); short protein forms P141H.
Identifiers: ClinVar variation 1003546 (VCV001003546.10), dbSNP rs954591293, ClinGen allele CA201648958.

ClinVar aggregate classification (germline): Uncertain significance. Review status: criteria provided, multiple submitters, no conflicts (2 of 4 stars). 2 submissions from 2 submitters: Uncertain significance (2). Last evaluated 2025-10-22.

Conditions:
Joubert syndrome. Also called: JOUBERT-BOLTSHAUSER SYNDROME; Familial aplasia of the vermis. Identifiers: Orphanet 475, MedGen C5979921, MONDO:0018772.

Allele frequency attached by ClinVar (database versions not stated): TOPMed 0.00002; gnomAD 0.00003.
gnomAD v4.1: 107 of 1,586,790 alleles (0.0067%); highest among the groups gnomAD compares: Non-Finnish European, 0.0091%; no homozygotes.

Submissions (2):

Labcorp Genetics (formerly Invitae), Labcorp
Classification: Uncertain significance for Joubert syndrome. Last evaluated: 2025-10-22. Review status: criteria provided, single submitter. Criteria: Invitae Variant Classification Sherloc (09022015). Collection method: clinical testing. Allele origin: germline.
Comment: This sequence change replaces proline, which is neutral and non-polar, with histidine, which is basic and polar, at codon 141 of the INPP5E protein (p.Pro141His). This variant is not present in population databases (gnomAD no frequency). This variant has not been reported in the literature in individuals affected with INPP5E-related conditions. ClinVar contains an entry for this variant (Variation ID: 1003546). Invitae Evidence Modeling of protein sequence and biophysical properties (such as structural, functional, and spatial information, amino acid conservation, physicochemical variation, residue mobility, and thermodynamic stability) indicates that this missense variant is not expected to disrupt INPP5E protein function with a negative predictive value of 95%. In summary, the available evidence is currently insufficient to determine the role of this variant in disease. Therefore, it has been classified as a Variant of Uncertain Significance.

Blueprint Genetics
Classification: Uncertain significance. Last evaluated: 2023-02-10. Review status: criteria provided, single submitter. Criteria: ACMG Guidelines, 2015. Collection method: clinical testing. Allele origin: germline.